The following is an entry in ClinVar:

ClinVar aggregate classification (germline): Uncertain significance (1 of 4 stars; one submission).

Submission:

Women's Health and Genetics/Laboratory Corporation of America, LabCorp
Classification: Uncertain significance. Last evaluated: 2026-03-10. Review status: criteria provided, single submitter. Criteria: LabCorp Variant Classification Summary - May 2015. Collection method: clinical testing. Allele origin: germline.
Comment: Variant summary: LAMA5 c.2834G>A (p.Arg945Gln) results in a conservative amino acid change in the encoded protein sequence. Algorithms developed to predict the effect of missense changes on protein structure and function all suggest that this variant is likely to be tolerated. The variant allele was found at a frequency of 5.3e-05 in 245372 control chromosomes. This frequency is not significantly higher than estimated for disease-causing variants in LAMA5, allowing no conclusion about variant significance. To our knowledge, no occurrence of c.2834G>A in individuals affected with LAMA5-related conditions and no experimental evidence demonstrating its impact on protein function have been reported. No submitters have cited clinical-significance assessments for this variant to ClinVar. Based on the evidence outlined above, the variant was classified as uncertain significance.

NM_005560.6(LAMA5):c.2834G>A (p.Arg945Gln)

Gene: LAMA5 (laminin subunit alpha 5; minus strand). Cytogenetic location: 20q13.33.
Variant type: single nucleotide variant.
Coding change: c.2834G>A on transcript NM_005560.6 (MANE Select); coding-DNA position 2834, G replaced by A.
Protein change: p.Arg945Gln; replaces arginine 945 with glutamine.
Molecular consequence: missense variant.
Genome position (GRCh38, 1-based): chr20:62,333,945, C>T on the plus strand (G>A on the coding strand, the complement: LAMA5 is on the minus strand). VCF-style: chr20-62333945-C-T. GRCh37 (hg19) VCF-style: chr20-60909001-C-T.
Other names: short protein forms R945Q.
Identifiers: ClinVar variation 4847357 (VCV004847357.1).